The following is an entry in ClinVar:

ClinVar aggregate classification (germline): Uncertain significance. Review status: criteria provided, multiple submitters, no conflicts (2 of 4 stars). 3 submissions from 3 submitters: Uncertain significance (3). Last evaluated 2025-07-09.

Conditions:
Idiopathic Pulmonary Fibrosis. Also called: Idiopathic fibrosing alveolitis, chronic form; idiopathic fibrosing alveolitis. Identifiers: Orphanet 2032, MedGen C1800706, MeSH D054990, MONDO:0800504.
Dyskeratosis congenita, autosomal dominant 2. Identifiers: MedGen C3151443, MONDO:0013521, OMIM 613989.
Dyskeratosis congenita. Identifiers: Orphanet 1775, MedGen C0265965, MONDO:0015780.

Allele frequency attached by ClinVar (database versions not stated): ExAC 0.00001; gnomAD 0.00001 and 0.00002; TOPMed 0.00001.
gnomAD v4.1: 13 of 1,613,852 alleles (0.00081%); highest among the groups gnomAD compares: Admixed American, 0.0017%; no homozygotes.

Submissions (3):

Labcorp Genetics (formerly Invitae), Labcorp
Classification: Uncertain significance for Dyskeratosis congenita, autosomal dominant 2; Idiopathic Pulmonary Fibrosis. Last evaluated: 2025-07-09. Review status: criteria provided, single submitter. Criteria: Invitae Variant Classification Sherloc (09022015). Collection method: clinical testing. Allele origin: germline.
Comment: This sequence change replaces arginine, which is basic and polar, with serine, which is neutral and polar, at codon 885 of the TERT protein (p.Arg885Ser). This variant is not present in population databases (gnomAD no frequency). This variant has not been reported in the literature in individuals affected with TERT-related conditions. ClinVar contains an entry for this variant (Variation ID: 951045). Invitae Evidence Modeling of protein sequence and biophysical properties (such as structural, functional, and spatial information, amino acid conservation, physicochemical variation, residue mobility, and thermodynamic stability) indicates that this missense variant is not expected to disrupt TERT protein function with a negative predictive value of 95%. In summary, the available evidence is currently insufficient to determine the role of this variant in disease. Therefore, it has been classified as a Variant of Uncertain Significance.

Ambry Genetics
Classification: Uncertain significance for Dyskeratosis congenita. Last evaluated: 2025-03-08. Review status: criteria provided, single submitter. Criteria: Ambry Variant Classification Scheme 2023. Collection method: clinical testing. Allele origin: germline.
Comment: The p.R885S variant (also known as c.2655G>C) is located in coding exon 11 of the TERT gene. The arginine at codon 885 is replaced by serine, an amino acid with dissimilar properties. This change occurs in the first base pair of coding exon 11. This amino acid position is not well conserved in available vertebrate species. In addition, this alteration is predicted to be tolerated by in silico analysis. Based on the available evidence, the clinical significance of this variant remains unclear.

GeneDx
Classification: Uncertain significance. Last evaluated: 2023-04-11. Review status: criteria provided, single submitter. Criteria: GeneDx Variant Classification Process June 2021. Collection method: clinical testing. Allele origin: germline. Affected: yes.
Comment: Not observed at significant frequency in large population cohorts (gnomAD); In silico analysis supports that this missense variant does not alter protein structure/function; Has not been previously published as pathogenic or benign to our knowledge

NM_198253.3(TERT):c.2655G>C (p.Arg885Ser)

Gene: TERT (telomerase reverse transcriptase; minus strand). Cytogenetic location: 5p15.33.
Variant type: single nucleotide variant.
Coding change: c.2655G>C on transcript NM_198253.3 (MANE Select); coding-DNA position 2655, G replaced by C.
Protein change: p.Arg885Ser; replaces arginine 885 with serine.
Molecular consequence: missense variant. On other transcripts: intron variant (1).
Genome position (GRCh38, 1-based): chr5:1,264,592, C>G on the plus strand (G>C on the coding strand, the complement: TERT is on the minus strand). VCF-style: chr5-1264592-C-G. GRCh37 (hg19) VCF-style: chr5-1264707-C-G.
Other names: c.2654+1872G>C (NM_001193376.3); short protein forms R885S.
Identifiers: ClinVar variation 951045 (VCV000951045.12), dbSNP rs754372863, ClinGen allele CA3184419.